The following is an entry in ClinVar:

ClinVar aggregate classification (germline): Uncertain significance. Review status: criteria provided, multiple submitters, no conflicts (2 of 4 stars). 4 submissions from 4 submitters: Uncertain significance (4). Last evaluated 2025-02-14.

Conditions:
Hereditary cancer-predisposing syndrome. Also called: Hereditary neoplastic syndrome; Tumor predisposition; Hereditary Cancer Syndrome; Neoplastic Syndromes, Hereditary. Identifiers: Orphanet 140162, MedGen C0027672, MeSH D009386, MONDO:0015356.
Juvenile polyposis syndrome (JPS). Identifiers: Orphanet 2929, MedGen C0345893, MONDO:0017380, OMIM 174900.

Submissions (4):

Labcorp Genetics (formerly Invitae), Labcorp
Classification: Uncertain significance for Juvenile polyposis syndrome. Last evaluated: 2025-02-14. Review status: criteria provided, single submitter. Criteria: Invitae Variant Classification Sherloc (09022015). Collection method: clinical testing. Allele origin: germline.
Comment: This sequence change replaces serine, which is neutral and polar, with alanine, which is neutral and non-polar, at codon 98 of the BMPR1A protein (p.Ser98Ala). This variant is not present in population databases (gnomAD no frequency). This variant has not been reported in the literature in individuals affected with BMPR1A-related conditions. ClinVar contains an entry for this variant (Variation ID: 577997). Invitae Evidence Modeling of protein sequence and biophysical properties (such as structural, functional, and spatial information, amino acid conservation, physicochemical variation, residue mobility, and thermodynamic stability) has been performed for this missense variant. However, the output from this modeling did not meet the statistical confidence thresholds required to predict the impact of this variant on BMPR1A protein function. In summary, the available evidence is currently insufficient to determine the role of this variant in disease. Therefore, it has been classified as a Variant of Uncertain Significance.

All of Us Research Program, National Institutes of Health
Classification: Uncertain significance for Juvenile polyposis syndrome. Last evaluated: 2024-07-10. Review status: criteria provided, single submitter. Criteria: ACMG Guidelines, 2015. Collection method: clinical testing. Allele origin: germline. Inheritance: Autosomal dominant inheritance. Observed: 1 variant allele, 1 heterozygote.
Comment: This missense variant replaces serine with alanine at codon 98 of the BMPR1A protein. Computational prediction is inconclusive regarding the impact of this variant on protein structure and function (internally defined REVEL score threshold 0.5 < inconclusive < 0.7, PMID: 27666373). To our knowledge, functional studies have not been reported for this variant. This variant has not been reported in individuals affected with BMPR1A-related disorders in the literature. This variant has not been identified in the general population by the Genome Aggregation Database (gnomAD). The available evidence is insufficient to determine the role of this variant in disease conclusively. Therefore, this variant is classified as a Variant of Uncertain Significance.

This study involves interpretation of variants in research participants for the purpose of population health screening. Participant phenotype was not available at the time of variant classification. Additional details can be found in publication PMID: 35346344, PMCID: PMC8962531

Color Diagnostics, LLC DBA Color Health
Classification: Uncertain significance for Hereditary cancer-predisposing syndrome. Last evaluated: 2023-12-05. Review status: criteria provided, single submitter. Criteria: ACMG Guidelines, 2015. Collection method: clinical testing. Allele origin: germline.
Comment: This missense variant replaces serine with alanine at codon 98 of the BMPR1A protein. Computational prediction is inconclusive regarding the impact of this variant on protein structure and function (internally defined REVEL score threshold 0.5 < inconclusive < 0.7, PMID: 27666373). To our knowledge, functional studies have not been reported for this variant. This variant has not been reported in individuals affected with BMPR1A-related disorders in the literature. This variant has not been identified in the general population by the Genome Aggregation Database (gnomAD). The available evidence is insufficient to determine the role of this variant in disease conclusively. Therefore, this variant is classified as a Variant of Uncertain Significance.

Ambry Genetics
Classification: Uncertain significance for Hereditary cancer-predisposing syndrome. Last evaluated: 2023-08-11. Review status: criteria provided, single submitter. Criteria: Ambry Variant Classification Scheme 2023. Collection method: clinical testing. Allele origin: germline.
Comment: The p.S98A variant (also known as c.292T>G), located in coding exon 3 of the BMPR1A gene, results from a T to G substitution at nucleotide position 292. The serine at codon 98 is replaced by alanine, an amino acid with similar properties. This amino acid position is conserved. In addition, the in silico prediction for this alteration is inconclusive. Since supporting evidence is limited at this time, the clinical significance of this alteration remains unclear.

NM_004329.3(BMPR1A):c.292T>G (p.Ser98Ala)

Gene: BMPR1A (bone morphogenetic protein receptor type 1A; plus strand). Cytogenetic location: 10q23.2.
Variant type: single nucleotide variant.
Coding change: c.292T>G on transcript NM_004329.3 (MANE Select); coding-DNA position 292, T replaced by G.
Protein change: p.Ser98Ala; replaces serine 98 with alanine.
Molecular consequence: missense variant.
Genome position (GRCh38, 1-based): chr10:86,892,188, T>G. VCF-style: chr10-86892188-T-G. GRCh37 (hg19) VCF-style: chr10-88651945-T-G.
Other names: short protein forms S98A.
Identifiers: ClinVar variation 577997 (VCV000577997.16), dbSNP rs1564715478, ClinGen allele CA377448132.
Genomic context (GRCh38, chr10:86,892,188, plus strand): 5'-ACTAATGGACATTGCTTTGCCATCATAGAAGAAGATGACCAGGGAGAAACCACATTAGCT[T>G]CAGGGTGTATGAAATATGAAGGATCTGATTTTCAGTGCAAAGTAAGATATAATTTGGGAC-3'
Protein context (NP_004320.2, residues 88-108): EDDQGETTLA[Ser98Ala]GCMKYEGSDF